The following is an entry in ClinVar:

NM_001195272.2(TEX13C):c.1353G>A (p.Glu451=)

Gene: TEX13C (TEX13 family member C; plus strand). Cytogenetic location: Xq25.
Variant type: single nucleotide variant.
Coding change: c.1353G>A on transcript NM_001195272.2 (MANE Select); coding-DNA position 1353, G replaced by A.
Protein change: p.Glu451=; no amino-acid change (glutamic acid 451 retained).
Molecular consequence: synonymous variant.
Genome position (GRCh38, 1-based): chrX:125,321,472, G>A. VCF-style: chrX-125321472-G-A. GRCh37 (hg19) VCF-style: chrX-124455321-G-A.
Identifiers: ClinVar variation 2661373 (VCV002661373.24), dbSNP rs182081365, ClinGen allele CA10510588.

ClinVar aggregate classification (germline): Likely benign (1 of 4 stars; one submission).

Allele frequency attached by ClinVar (database versions not stated): ExAC 0.00012; gnomAD 0.00050; 1000 Genomes Project 0.00079; 1000 Genomes Project 30x 0.00083.
gnomAD v4.1: 306 of 508,018 alleles (0.06%); highest among the groups gnomAD compares: Non-Finnish European, 0.089%; no homozygotes.

Submission:

CeGaT Center for Human Genetics Tuebingen
Classification: Likely benign. Last evaluated: 2022-04-01. Review status: criteria provided, single submitter. Criteria: CeGaT Center For Human Genetics Tuebingen Variant Classification Criteria Version 2. Collection method: clinical testing. Allele origin: germline. Affected: yes. Observed: 1 variant allele.
Comment: TEX13C: BP4, BP7